The following is an entry in ClinVar:

NM_015378.4(VPS13D):c.8195C>T (p.Ser2732Phe)

Gene: VPS13D (vacuolar protein sorting 13 homolog D; plus strand). Cytogenetic location: 1p36.22.
Variant type: single nucleotide variant.
Coding change: c.8195C>T on transcript NM_015378.4 (MANE Select); coding-DNA position 8195, C replaced by T.
Protein change: p.Ser2732Phe; replaces serine 2732 with phenylalanine.
Molecular consequence: missense variant.
Genome position (GRCh38, 1-based): chr1:12,327,852, C>T. VCF-style: chr1-12327852-C-T. GRCh37 (hg19) VCF-style: chr1-12387909-C-T.
Other names: c.8195C>T, p.Ser2732Phe (NM_018156.4); short protein forms S2732F.
Identifiers: ClinVar variation 1957368 (VCV001957368.3), dbSNP rs202000861, ClinGen allele CA603033.

ClinVar aggregate classification (germline): Uncertain significance (1 of 4 stars; one submission).

Allele frequency attached by ClinVar (database versions not stated): ExAC 0.00002; gnomAD exomes 0.00002; TOPMed 0.00002; gnomAD 0.00003.
gnomAD v4.1: 40 of 1,613,526 alleles (0.0025%); highest among the groups gnomAD compares: Non-Finnish European, 0.0031%; no homozygotes.

Submission:

Labcorp Genetics (formerly Invitae), Labcorp
Classification: Uncertain significance. Last evaluated: 2024-01-24. Review status: criteria provided, single submitter. Criteria: Invitae Variant Classification Sherloc (09022015). Collection method: clinical testing. Allele origin: germline.
Comment: This sequence change replaces serine, which is neutral and polar, with phenylalanine, which is neutral and non-polar, at codon 2732 of the VPS13D protein (p.Ser2732Phe). This variant is present in population databases (rs202000861, gnomAD 0.005%). This variant has not been reported in the literature in individuals affected with VPS13D-related conditions. ClinVar contains an entry for this variant (Variation ID: 1957368). An algorithm developed to predict the effect of missense changes on protein structure and function (PolyPhen-2) suggests that this variant is likely to be disruptive. In summary, the available evidence is currently insufficient to determine the role of this variant in disease. Therefore, it has been classified as a Variant of Uncertain Significance.